The following is an entry in ClinVar:

ClinVar aggregate classification (germline): Uncertain significance (1 of 4 stars; one submission).

Conditions:
Spermatogenic failure, Y-linked, 2 (SPGFY2). Also called: AZOOSPERMIA, NONOBSTRUCTIVE, Y-LINKED; OLIGOSPERMIA, NONOBSTRUCTIVE, Y-LINKED; OLIGOZOOSPERMIA, NONOBSTRUCTIVE, Y-LINKED; SPERMATOGENIC ARREST, Y-LINKED; SPERMATOGENIC FAILURE, NONOBSTRUCTIVE, Y-LINKED. Identifiers: Orphanet 1646, MedGen C1839071, MONDO:0010767, OMIM 415000. Disease mechanism: loss of function.

Submission:

Juno Genomics, Hangzhou Juno Genomics, Inc
Classification: Uncertain significance for Spermatogenic failure, Y-linked, 2. Review status: criteria provided, single submitter. Criteria: ACMG Guidelines, 2015. Collection method: clinical testing. Allele origin: germline. Affected: yes.
Comment: Null variant in a gene where loss of function (LOF) is a known mechanism of disease.;Absent from controls (or at extremely low frequency if recessive) in Genome Aggregation Database, Exome Sequencing Project, 1000 Genomes Project, or Exome Aggregation Consortium.;Patient's phenotype or family history is highly specific for a disease with a single genetic etiology.

NM_004654.4(USP9Y):c.6845dup (p.Arg2283fs)

Gene: USP9Y (ubiquitin specific peptidase 9 Y-linked; plus strand). Cytogenetic location: Yq11.221.
Variant type: Duplication.
Coding change: c.6845dup on transcript NM_004654.4 (MANE Select); coding-DNA position 6845, one base duplicated (T; older notation c.6845dupT).
Protein change: p.Arg2283fs; shifts the reading frame from arginine 2283.
Molecular consequence: frameshift variant.
Genome position (GRCh38, 1-based): chrY:12,847,023, T duplicated. VCF-style (leftmost placement, unchanged base first): chrY-12847022-G-GT. GRCh37 (hg19) VCF-style: chrY-14958947-G-GT.
Other names: short protein forms R2283fs.
Identifiers: ClinVar variation 3381938 (VCV003381938.2).
Genomic context (GRCh38, chrY:12,847,022, plus strand): 5'-GACCTTAATTTATCACAGCCTATAATGCCAATTCAGCAGAATGTGTTAGACATTTTATTT[G>GT]TGAGAACAAGTTATGTGAAGAAAATTATTGAAGACTGCAGTAACTCAGAGGATACCATCA-3'